The following is an entry in ClinVar:

ClinVar aggregate classification (germline): Uncertain significance (1 of 4 stars; one submission).

Submission:

Labcorp Genetics (formerly Invitae), Labcorp
Classification: Uncertain significance. Last evaluated: 2023-12-27. Review status: criteria provided, single submitter. Criteria: Invitae Variant Classification Sherloc (09022015). Collection method: clinical testing. Allele origin: germline.
Comment: This sequence change replaces glycine, which is neutral and non-polar, with arginine, which is basic and polar, at codon 121 of the COL9A3 protein (p.Gly121Arg). This variant is present in population databases (no rsID available, gnomAD 0.0009%). This variant has not been reported in the literature in individuals affected with COL9A3-related conditions. Advanced modeling of protein sequence and biophysical properties (such as structural, functional, and spatial information, amino acid conservation, physicochemical variation, residue mobility, and thermodynamic stability) performed at Invitae indicates that this missense variant is expected to disrupt COL9A3 protein function with a positive predictive value of 95%. Algorithms developed to predict the effect of sequence changes on RNA splicing suggest that this variant may disrupt the consensus splice site. In summary, the available evidence is currently insufficient to determine the role of this variant in disease. Therefore, it has been classified as a Variant of Uncertain Significance.

NM_001853.4(COL9A3):c.361G>A (p.Gly121Arg)

Gene: COL9A3 (collagen type IX alpha 3 chain; plus strand). Cytogenetic location: 20q13.33.
Variant type: single nucleotide variant.
Coding change: c.361G>A on transcript NM_001853.4 (MANE Select); coding-DNA position 361, G replaced by A.
Protein change: p.Gly121Arg; replaces glycine 121 with arginine.
Molecular consequence: missense variant.
Genome position (GRCh38, 1-based): chr20:62,821,522, G>A. VCF-style: chr20-62821522-G-A. GRCh37 (hg19) VCF-style: chr20-61452874-G-A.
Other names: short protein forms G121R.
Identifiers: ClinVar variation 2983635 (VCV002983635.3), dbSNP rs954833985, ClinGen allele CA317325039.